The following is an entry in ClinVar:

ClinVar aggregate classification (germline): Uncertain significance. Review status: criteria provided, multiple submitters, no conflicts (2 of 4 stars). 2 submissions from 2 submitters: Uncertain significance (2). Last evaluated 2025-12-19.

Conditions:
Marfan syndrome (MFS). Also called: Marfan syndrome type 1; Marfan's syndrome; FBN1-Related Marfan Syndrome; MARFAN SYNDROME, TYPE I; Marfan syndrome, classic. Identifiers: Orphanet 284963, Orphanet 558, MedGen C0024796, MONDO:0007947, OMIM 154700.
Familial thoracic aortic aneurysm and aortic dissection (TAAD). Also called: Thoracic aortic aneurysms and dissections. Identifiers: Orphanet 91387, MedGen C4707243, MONDO:0019625.

Allele frequency attached by ClinVar (database versions not stated): ExAC 0.00001; gnomAD 0.00001; gnomAD exomes 0.00001 and below 0.00001; TOPMed below 0.00001.
gnomAD v4.1: 5 of 1,613,788 alleles (0.00031%); highest among the groups gnomAD compares: Non-Finnish European, 0.00042%; no homozygotes.

Submissions (2):

Labcorp Genetics (formerly Invitae), Labcorp
Classification: Uncertain significance for Marfan syndrome; Familial thoracic aortic aneurysm and aortic dissection. Last evaluated: 2025-12-19. Review status: criteria provided, single submitter. Criteria: Invitae Variant Classification Sherloc (09022015). Collection method: clinical testing. Allele origin: germline.
Comment: This sequence change replaces proline, which is neutral and non-polar, with serine, which is neutral and polar, at codon 700 of the FBN1 protein (p.Pro700Ser). This variant is present in population databases (rs745694291, gnomAD 0.0009%). This variant has not been reported in the literature in individuals affected with FBN1-related conditions. ClinVar contains an entry for this variant (Variation ID: 1404350). Invitae Evidence Modeling of protein sequence and biophysical properties (such as structural, functional, and spatial information, amino acid conservation, physicochemical variation, residue mobility, and thermodynamic stability) indicates that this missense variant is expected to disrupt FBN1 protein function with a positive predictive value of 95%. In summary, the available evidence is currently insufficient to determine the role of this variant in disease. Therefore, it has been classified as a Variant of Uncertain Significance.

All of Us Research Program, National Institutes of Health
Classification: Uncertain significance for Marfan syndrome. Last evaluated: 2024-07-29. Review status: criteria provided, single submitter. Criteria: ACMG Guidelines, 2015. Collection method: clinical testing. Allele origin: germline. Inheritance: Autosomal dominant inheritance. Observed: 1 variant allele, 1 heterozygote.
Comment: This missense variant replaces proline with serine at codon 700 of the FBN1 protein. Computational prediction tools indicate that this variant has a deleterious impact on protein structure and function. To our knowledge, functional studies have not been reported for this variant. This variant has not been reported in individuals affected with FBN1-related disorders in the literature. This variant has been identified in 1/251338 chromosomes in the general population by the Genome Aggregation Database (gnomAD). The available evidence is insufficient to determine the role of this variant in disease conclusively. Therefore, this variant is classified as a Variant of Uncertain Significance.

This study involves interpretation of variants in research participants for the purpose of population health screening. Participant phenotype was not available at the time of variant classification. Additional details can be found in publication PMID: 35346344, PMCID: PMC8962531

NM_000138.5(FBN1):c.2098C>T (p.Pro700Ser)

Gene: FBN1 (fibrillin 1; minus strand). Cytogenetic location: 15q21.1.
Variant type: single nucleotide variant.
Coding change: c.2098C>T on transcript NM_000138.5 (MANE Select); coding-DNA position 2098, C replaced by T.
Protein change: p.Pro700Ser; replaces proline 700 with serine.
Molecular consequence: missense variant.
Genome position (GRCh38, 1-based): chr15:48,503,802, G>A on the plus strand (C>T on the coding strand, the complement: FBN1 is on the minus strand). VCF-style: chr15-48503802-G-A. GRCh37 (hg19) VCF-style: chr15-48795999-G-A.
Other names: short protein forms P700S.
Identifiers: ClinVar variation 1404350 (VCV001404350.9), dbSNP rs745694291, ClinGen allele CA046757.